The following is an entry in ClinVar:

ClinVar aggregate classification (germline): Pathogenic (1 of 4 stars; one submission).

Conditions:
Ehlers-Danlos syndrome, type 4 (EDSVASC). Also called: Ehlers-Danlos syndrome vascular type; Ehlers Danlos syndrome, ecchymotic type; Ehlers Danlos syndrome, arterial type; Ehlers Danlos syndrome, Sack-Barabas type; Ehlers-Danlos Syndrome Type IV. Identifiers: Orphanet 286, MedGen C0268338, MONDO:0017314, OMIM 130050.

Submission:

Labcorp Genetics (formerly Invitae), Labcorp
Classification: Pathogenic for Ehlers-Danlos syndrome, type 4. Last evaluated: 2022-03-28. Review status: criteria provided, single submitter. Criteria: Invitae Variant Classification Sherloc (09022015). Collection method: clinical testing. Allele origin: germline.
Comment: This variant has not been reported in the literature in individuals affected with COL3A1-related conditions. For these reasons, this variant has been classified as Pathogenic. This variant is not present in population databases (gnomAD no frequency). This sequence change creates a premature translational stop signal (p.Gly963Alafs*273) in the COL3A1 gene. It is expected to result in an absent or disrupted protein product. Loss-of-function variants in COL3A1 are known to be pathogenic (PMID: 24922459).

Literature cited by the submitters: PubMed 24922459.

NM_000090.4(COL3A1):c.2888del (p.Gly963fs)

Gene: COL3A1 (collagen type III alpha 1 chain; plus strand). Cytogenetic location: 2q32.2.
Variant type: Deletion.
Coding change: c.2888del on transcript NM_000090.4 (MANE Select); coding-DNA position 2888, one base deleted (G; older notation c.2888delG).
Protein change: p.Gly963fs; shifts the reading frame from glycine 963.
Molecular consequence: frameshift variant.
Genome position (GRCh38, 1-based): chr2:189,004,321, G deleted; the last of 2 consecutive G bases (chr2:189,004,320-189,004,321); deleting either gives the same sequence. VCF-style (leftmost placement, unchanged base first): chr2-189004319-AG-A. GRCh37 (hg19) VCF-style: chr2-189869045-AG-A.
Other names: short protein forms G963fs.
Identifiers: ClinVar variation 2118715 (VCV002118715.4), dbSNP rs2469154239, ClinGen allele CA2580065368.